The following is an entry in ClinVar:

NM_003242.6(TGFBR2):c.1458C>T (p.Ser486=)

Gene: TGFBR2 (transforming growth factor beta receptor 2; plus strand). Cytogenetic location: 3p24.1.
Variant type: single nucleotide variant.
Coding change: c.1458C>T on transcript NM_003242.6 (MANE Select); coding-DNA position 1458, C replaced by T.
Protein change: p.Ser486=; no amino-acid change (serine 486 retained).
Molecular consequence: synonymous variant.
Genome position (GRCh38, 1-based): chr3:30,688,445, C>T. VCF-style: chr3-30688445-C-T. GRCh37 (hg19) VCF-style: chr3-30729937-C-T.
Other names: c.1533C>T, p.Ser511= (NM_001024847.3); c.1641C>T, p.Ser547= (NM_001407126.1); c.1566C>T, p.Ser522= (NM_001407127.1); c.1485C>T, p.Ser495= (NM_001407128.1); c.1461C>T, p.Ser487= (NM_001407129.1); c.1455C>T, p.Ser485= (NM_001407130.1); c.1353C>T, p.Ser451= (NM_001407132.1, NM_001407133.1, NM_001407134.1 and 2 more transcripts); c.1173C>T, p.Ser391= (NM_001407137.1); and 2 more.
Identifiers: ClinVar variation 263413 (VCV000263413.46), dbSNP rs139881155, ClinGen allele CA046632.

ClinVar aggregate classification (germline): Benign/Likely benign. Review status: criteria provided, multiple submitters, no conflicts (2 of 4 stars). 8 submissions from 8 submitters: Benign (4); Likely benign (4). Last evaluated 2026-01-14.

Conditions:
Colorectal cancer, hereditary nonpolyposis, type 6. Also called: Colon cancer, hereditary nonpolyposis, type 6; Colon cancer, hereditary nonpolyposis, type 6, somatic. Identifiers: Orphanet 144, MedGen C1860896, MONDO:0013695, OMIM 614331.
Loeys-Dietz syndrome 2 (LDS2). Also called: AORTIC ANEURYSM, FAMILIAL THORACIC 3; MARFAN SYNDROME, TYPE II; Marfan syndrome, type 2 (formerly); TGFBR2-Related Loeys-Dietz Syndrome; Marfan Syndrome type 2; Marfan like connective tissue disorder. Identifiers: Orphanet 284973, Orphanet 558, MedGen C2674574, MONDO:0012427, OMIM 610168.
Malignant tumor of esophagus. Also called: Esophageal cancer; Esophageal cancer, somatic. Identifiers: Orphanet 99977, MedGen C0546837, MONDO:0007576, OMIM 133239.
Familial thoracic aortic aneurysm and aortic dissection (TAAD). Also called: Thoracic aortic aneurysms and dissections. Identifiers: Orphanet 91387, MedGen C4707243, MONDO:0019625.

Allele frequency attached by ClinVar (database versions not stated): gnomAD exomes 0.00009 and 0.00017; ExAC 0.00026; 1000 Genomes Project 0.00060; gnomAD 0.00072 and 0.00075; TOPMed 0.00077; 1000 Genomes Project 30x 0.00078; ESP Exome Variant Server 0.00100.
gnomAD v4.1: 258 of 1,614,208 alleles (0.016%); highest among the groups gnomAD compares: African/African-American, 0.27%; 1 homozygote.

Submissions (8):

Labcorp Genetics (formerly Invitae), Labcorp
Classification: Benign for Familial thoracic aortic aneurysm and aortic dissection. Last evaluated: 2026-01-14. Review status: criteria provided, single submitter. Criteria: Invitae Variant Classification Sherloc (09022015). Collection method: clinical testing. Allele origin: germline.

CeGaT Center for Human Genetics Tuebingen
Classification: Likely benign. Last evaluated: 2025-06-01. Review status: criteria provided, single submitter. Criteria: CeGaT Center For Human Genetics Tuebingen Variant Classification Criteria Version 2. Collection method: clinical testing. Allele origin: germline. Affected: yes. Observed: 2 variant alleles.
Comment: TGFBR2: BP4, BS1

Blueprint Genetics
Classification: Likely benign. Last evaluated: 2023-07-19. Review status: criteria provided, single submitter. Criteria: ACMG Guidelines, 2015. Collection method: clinical testing. Allele origin: germline.

Fulgent Genetics
Classification: Likely benign for Malignant tumor of esophagus; Loeys-Dietz syndrome 2; Colorectal cancer, hereditary nonpolyposis, type 6. Last evaluated: 2021-07-30. Review status: criteria provided, single submitter. Criteria: ACMG Guidelines, 2015. Collection method: clinical testing. Allele origin: unknown.

Women's Health and Genetics/Laboratory Corporation of America, LabCorp
Classification: Benign. Last evaluated: 2021-05-02. Review status: criteria provided, single submitter. Criteria: LabCorp Variant Classification Summary - May 2015. Collection method: clinical testing. Allele origin: germline.

Color Diagnostics, LLC DBA Color Health
Classification: Benign for Familial thoracic aortic aneurysm and aortic dissection. Last evaluated: 2018-10-18. Review status: criteria provided, single submitter. Criteria: ACMG Guidelines, 2015. Collection method: clinical testing. Allele origin: germline.

Ambry Genetics
Classification: Likely benign for Familial thoracic aortic aneurysm and aortic dissection. Last evaluated: 2017-05-27. Review status: criteria provided, single submitter. Criteria: Ambry Variant Classification Scheme 2023. Collection method: clinical testing. Allele origin: germline.

GeneDx
Classification: Benign. Last evaluated: 2016-03-02. Review status: criteria provided, single submitter. Criteria: GeneDx Variant Classification (06012015). Collection method: clinical testing. Allele origin: germline. Affected: yes.
Comment: This variant is considered likely benign or benign based on one or more of the following criteria: it is a conservative change, it occurs at a poorly conserved position in the protein, it is predicted to be benign by multiple in silico algorithms, and/or has population frequency not consistent with disease.